The following is an entry in ClinVar:

NM_001370466.1(NOD2):c.2381+218A>G

Gene: NOD2 (nucleotide binding oligomerization domain containing 2; plus strand). Cytogenetic location: 16q12.1.
Variant type: single nucleotide variant.
Coding change: c.2381+218A>G on transcript NM_001370466.1 (MANE Select); 218 bases into the intron after coding-DNA position 2381, A replaced by G.
Molecular consequence: intron variant.
Genome position (GRCh38, 1-based): chr16:50,712,591, A>G. VCF-style: chr16-50712591-A-G. GRCh37 (hg19) VCF-style: chr16-50746502-A-G.
Other names: c.2462+218A>G (LRG_177t1, NM_022162.3); c.2381+218A>G (NM_001293557.2).
Identifiers: ClinVar variation 103122 (VCV000103122.2), dbSNP rs199475918, ClinGen allele CA230153.

ClinVar aggregate classification (germline): not provided (0 of 4 stars; one submission).

Allele frequency attached by ClinVar (database versions not stated): gnomAD exomes 0.00012; 1000 Genomes Project 30x 0.00031; 1000 Genomes Project 0.00040; gnomAD 0.00062 and 0.00063; TOPMed 0.00079.
gnomAD v4.1: 156 of 622,304 alleles (0.025%); highest among the groups gnomAD compares: African/African-American, 0.2%; no homozygotes.

Submission:

Human Evolutionary Genetics, Institut Pasteur
No classification provided. Review status: no classification provided. Collection method: not provided. Allele origin: germline.
ClinVar note: Converted during submission from untested to not provided.